The following is an entry in ClinVar:

ClinVar aggregate classification (germline): Benign (1 of 4 stars; one submission).

Allele frequency attached by ClinVar (database versions not stated): 1000 Genomes Project 30x 0.60462; TOPMed 0.60467; 1000 Genomes Project 0.60823; gnomAD 0.61859 and 0.62081.
gnomAD v4.1: 94,229 of 151,930 alleles (62%); highest among the groups gnomAD compares: South Asian, 71%; 29,441 homozygotes.

Submission:

GeneDx
Classification: Benign. Last evaluated: 2018-06-18. Review status: criteria provided, single submitter. Criteria: GeneDx Variant Classification (06012015). Collection method: clinical testing. Allele origin: germline. Affected: yes.
Comment: This variant is considered likely benign or benign based on one or more of the following criteria: it is a conservative change, it occurs at a poorly conserved position in the protein, it is predicted to be benign by multiple in silico algorithms, and/or has population frequency not consistent with disease.

NM_006258.4(PRKG1):c.1710-252G>A

Gene: PRKG1 (protein kinase cGMP-dependent 1; plus strand). Cytogenetic location: 10q21.1.
Variant type: single nucleotide variant.
Coding change: c.1710-252G>A on transcript NM_006258.4 (MANE Select); 252 bases into the intron before coding-DNA position 1710, G replaced by A.
Molecular consequence: intron variant.
Genome position (GRCh38, 1-based): chr10:52,288,474, G>A. VCF-style: chr10-52288474-G-A. GRCh37 (hg19) VCF-style: chr10-54048234-G-A.
Other names: c.1665-252G>A (NM_001098512.3).
Identifiers: ClinVar variation 683723 (VCV000683723.1), dbSNP rs7916242, ClinGen allele CA15671559.
Genomic context (GRCh38, chr10:52,288,474, plus strand): 5'-GTAAGTGTGGAAAAGGTCAGAGAGTAGAAGAAGCATCTTGAATGACCAAGGACAGCATGA[G>A]GGCTTAGACTCCAGCACTTAAAAGAAAGCAAGAGAAGAGCAGATAAACTTGACCCATTTC-3'